The following is an entry in ClinVar:

ClinVar aggregate classification (germline): Likely benign. Review status: criteria provided, multiple submitters, no conflicts (2 of 4 stars). 2 submissions from 2 submitters: Likely benign (2). Last evaluated 2025-09-01.

Submissions (2):

CeGaT Center for Human Genetics Tuebingen
Classification: Likely benign. Last evaluated: 2025-09-01. Review status: criteria provided, single submitter. Criteria: CeGaT Center For Human Genetics Tuebingen Variant Classification Criteria Version 2. Collection method: clinical testing. Allele origin: germline. Affected: yes. Observed: 1 variant allele.
Comment: MAGEL2: BP4, BP7

Labcorp Genetics (formerly Invitae), Labcorp
Classification: Likely benign. Last evaluated: 2024-10-23. Review status: criteria provided, single submitter. Criteria: Invitae Variant Classification Sherloc (09022015). Collection method: clinical testing. Allele origin: germline.

NM_019066.5(MAGEL2):c.2706G>A (p.Thr902=)

Gene: MAGEL2 (MAGE family member L2; minus strand). Cytogenetic location: 15q11.2.
Variant type: single nucleotide variant.
Coding change: c.2706G>A on transcript NM_019066.5 (MANE Select); coding-DNA position 2706, G replaced by A.
Protein change: p.Thr902=; no amino-acid change (threonine 902 retained).
Molecular consequence: synonymous variant.
Genome position (GRCh38, 1-based): chr15:23,645,037, C>T on the plus strand (G>A on the coding strand, the complement: MAGEL2 is on the minus strand). VCF-style: chr15-23645037-C-T. GRCh37 (hg19) VCF-style: chr15-23890184-C-T.
Identifiers: ClinVar variation 2740087 (VCV002740087.10), dbSNP rs745919740, ClinGen allele CA7429834.